The following is an entry in ClinVar:

ClinVar aggregate classification (germline): Uncertain significance (1 of 4 stars; one submission).

Conditions:
Primary immunodeficiency with post-measles-mumps-rubella vaccine viral infection. Also called: Immunodeficiency 44. Identifiers: Orphanet 431166, MedGen C4225260, MONDO:0014715, OMIM 616636.

Submission:

Labcorp Genetics (formerly Invitae), Labcorp
Classification: Uncertain significance for Primary immunodeficiency with post-measles-mumps-rubella vaccine viral infection. Last evaluated: 2024-08-13. Review status: criteria provided, single submitter. Criteria: Invitae Variant Classification Sherloc (09022015). Collection method: clinical testing. Allele origin: germline.
Comment: This sequence change replaces glycine, which is neutral and non-polar, with aspartic acid, which is acidic and polar, at codon 609 of the STAT2 protein (p.Gly609Asp). This variant is not present in population databases (gnomAD no frequency). This variant has not been reported in the literature in individuals affected with STAT2-related conditions. Invitae Evidence Modeling of protein sequence and biophysical properties (such as structural, functional, and spatial information, amino acid conservation, physicochemical variation, residue mobility, and thermodynamic stability) indicates that this missense variant is expected to disrupt STAT2 protein function with a positive predictive value of 80%. In summary, the available evidence is currently insufficient to determine the role of this variant in disease. Therefore, it has been classified as a Variant of Uncertain Significance.

NM_005419.4(STAT2):c.1826G>A (p.Gly609Asp)

Gene: STAT2 (signal transducer and activator of transcription 2; minus strand). Cytogenetic location: 12q13.3.
Variant type: single nucleotide variant.
Coding change: c.1826G>A on transcript NM_005419.4 (MANE Select); coding-DNA position 1826, G replaced by A.
Protein change: p.Gly609Asp; replaces glycine 609 with aspartic acid.
Molecular consequence: missense variant.
Genome position (GRCh38, 1-based): chr12:56,346,854, C>T on the plus strand (G>A on the coding strand, the complement: STAT2 is on the minus strand). VCF-style: chr12-56346854-C-T. GRCh37 (hg19) VCF-style: chr12-56740638-C-T.
Other names: c.1793G>A, p.Gly598Asp (NM_001385110.1); c.1727G>A, p.Gly576Asp (NM_001385111.1); c.1826G>A, p.Gly609Asp (NM_001385113.1); c.1805G>A, p.Gly602Asp (NM_001385114.1); c.1784G>A, p.Gly595Asp (NM_001385115.1); c.1814G>A, p.Gly605Asp (NM_198332.2); short protein forms G576D, G605D, G595D, G598D, G602D, G609D.
Identifiers: ClinVar variation 3682360 (VCV003682360.2).